The following is an entry in ClinVar:

ClinVar aggregate classification (germline): Uncertain significance (1 of 4 stars; one submission).

Conditions:
Neuropathy, hereditary sensory and autonomic, type 2A (HSAN2A). Also called: WNK1-Related HSAN2 (HSAN2A); ACROOSTEOLYSIS, GIACCAI TYPE; ACROOSTEOLYSIS, NEUROGENIC; HSAN IIA; NEUROPATHY, CONGENITAL SENSORY; NEUROPATHY, HEREDITARY SENSORY RADICULAR, AUTOSOMAL RECESSIVE. Identifiers: Orphanet 970, MedGen C2752089, MONDO:0024309, OMIM 201300.
Generalized epilepsy with febrile seizures plus, type 7 (GEFSP7). Also called: GEFS+, TYPE 7. Identifiers: Orphanet 36387, MedGen C2751778, MONDO:0013470, OMIM 613863.

Allele frequency attached by ClinVar (database versions not stated): gnomAD exomes below 0.00001; TOPMed 0.00001.
gnomAD v4.1: 1 of 1,611,464 alleles (0.000062%); highest among the groups gnomAD compares: East Asian, 0.0022%; no homozygotes.

Submission:

Labcorp Genetics (formerly Invitae), Labcorp
Classification: Uncertain significance for Neuropathy, hereditary sensory and autonomic, type 2A; Generalized epilepsy with febrile seizures plus, type 7. Last evaluated: 2022-07-11. Review status: criteria provided, single submitter. Criteria: Invitae Variant Classification Sherloc (09022015). Collection method: clinical testing. Allele origin: germline.
Comment: In summary, the available evidence is currently insufficient to determine the role of this variant in disease. Therefore, it has been classified as a Variant of Uncertain Significance. Algorithms developed to predict the effect of missense changes on protein structure and function (SIFT, PolyPhen-2, Align-GVGD) all suggest that this variant is likely to be tolerated. ClinVar contains an entry for this variant (Variation ID: 938737). This variant has not been reported in the literature in individuals affected with SCN9A-related conditions. This variant is not present in population databases (gnomAD no frequency). This sequence change replaces isoleucine, which is neutral and non-polar, with valine, which is neutral and non-polar, at codon 1497 of the SCN9A protein (p.Ile1497Val).

NM_001365536.1(SCN9A):c.4522A>G (p.Ile1508Val)

Genes: SCN9A (sodium voltage-gated channel alpha subunit 9; minus strand), SCN1A-AS1 (SCN1A and SCN9A antisense RNA 1; plus strand). Cytogenetic location: 2q24.3.
Variant type: single nucleotide variant.
Coding change: c.4522A>G on transcript NM_001365536.1 (MANE Select); coding-DNA position 4522, A replaced by G.
Protein change: p.Ile1508Val; replaces isoleucine 1508 with valine.
Molecular consequence: missense variant.
Genome position (GRCh38, 1-based): chr2:166,204,207, T>C on the plus strand (A>G on the coding strand, the complement: SCN9A is on the minus strand). VCF-style: chr2-166204207-T-C. GRCh37 (hg19) VCF-style: chr2-167060717-T-C.
Other names: c.4489A>G, p.Ile1497Val (NM_002977.4); short protein forms I1497V, I1508V.
Identifiers: ClinVar variation 938737 (VCV000938737.10), dbSNP rs1268484614, ClinGen allele CA349058044.